The following is an entry in ClinVar:

ClinVar aggregate classification (germline): Benign/Likely benign. Review status: criteria provided, multiple submitters, no conflicts (2 of 4 stars). 3 submissions from 3 submitters: Benign (2); Likely benign (1). Last evaluated 2024-10-01.

Allele frequency attached by ClinVar (database versions not stated): ESP Exome Variant Server 0.00263; gnomAD 0.00286 and 0.00299; ExAC 0.00325; gnomAD exomes 0.00335 and 0.00346; TOPMed 0.00398; 1000 Genomes Project 30x 0.00422; 1000 Genomes Project 0.00459.
gnomAD v4.1: 5,237 of 1,593,456 alleles (0.33%); highest among the groups gnomAD compares: Admixed American, 0.9%; 22 homozygotes.

Submissions (3):

CeGaT Center for Human Genetics Tuebingen
Classification: Likely benign. Last evaluated: 2024-10-01. Review status: criteria provided, single submitter. Criteria: CeGaT Center For Human Genetics Tuebingen Variant Classification Criteria Version 2. Collection method: clinical testing. Allele origin: germline. Affected: yes. Observed: 1 variant allele.
Comment: PSMC1: BP4, BP7, BS2

Labcorp Genetics (formerly Invitae), Labcorp
Classification: Benign. Last evaluated: 2019-12-31. Review status: criteria provided, single submitter. Criteria: Invitae Variant Classification Sherloc (09022015). Collection method: clinical testing. Allele origin: germline.

Breakthrough Genomics
Classification: Benign. Review status: criteria provided, single submitter. Criteria: ACMG Guidelines, 2015. Collection method: not provided. Allele origin: germline. Inheritance: Autosomal recessive inheritance. Affected: yes.

NM_002802.3(PSMC1):c.231A>G (p.Glu77=)

Gene: PSMC1 (proteasome 26S subunit, ATPase 1; plus strand). Cytogenetic location: 14q32.11.
Variant type: single nucleotide variant.
Coding change: c.231A>G on transcript NM_002802.3 (MANE Select); coding-DNA position 231, A replaced by G.
Protein change: p.Glu77=; no amino-acid change (glutamic acid 77 retained).
Molecular consequence: synonymous variant.
Genome position (GRCh38, 1-based): chr14:90,263,394, A>G. VCF-style: chr14-90263394-A-G. GRCh37 (hg19) VCF-style: chr14-90729738-A-G.
Other names: c.12A>G, p.Glu4= (NM_001330212.2).
Identifiers: ClinVar variation 770241 (VCV000770241.18), dbSNP rs143172121, ClinGen allele CA7304474.
Genomic context (GRCh38, chr14:90,263,394, plus strand): 5'-GTGCCGGTTAAAATTACTGAAGTTAGAGAGAATTAAAGACTATCTTCTCATGGAGGAAGA[A>G]TTCATTAGAAATCAGGAACAAATGAAACCATTAGAAGAAAAGCAAGAGGTAAGTTGAAAA-3'
Protein context (NP_002793.2, residues 67-87): RIKDYLLMEE[Glu77=]FIRNQEQMKP